The following is an entry in ClinVar:

NM_000484.4(APP):c.457G>A (p.Val153Ile)

Gene: APP (amyloid beta precursor protein; minus strand). Cytogenetic location: 21q21.3.
Variant type: single nucleotide variant.
Coding change: c.457G>A on transcript NM_000484.4 (MANE Select); coding-DNA position 457, G replaced by A.
Protein change: p.Val153Ile; replaces valine 153 with isoleucine.
Molecular consequence: missense variant.
Genome position (GRCh38, 1-based): chr21:26,053,247, C>T on the plus strand (G>A on the coding strand, the complement: APP is on the minus strand). VCF-style: chr21-26053247-C-T. GRCh37 (hg19) VCF-style: chr21-27425563-C-T.
Other names: c.442G>A, p.Val148Ile (NM_001136016.3); c.289G>A, p.Val97Ile (NM_001136129.3, NM_001136130.3); c.352G>A, p.Val118Ile (NM_001136131.3); c.457G>A, p.Val153Ile (NM_001204301.2, NM_001204302.2, NM_001204303.2 and 3 more transcripts); short protein forms V118I, V148I, V153I, V97I.
Identifiers: ClinVar variation 4798270 (VCV004798270.1).

ClinVar aggregate classification (germline): Uncertain significance (1 of 4 stars; one submission).

Conditions:
Alzheimer disease. Also called: Presenile and senile dementia; Alzheimer's disease. Identifiers: Orphanet 1020, MedGen C0002395, MeSH D000544, MONDO:0004975, HP:0002511.

Submission:

Labcorp Genetics (formerly Invitae), Labcorp
Classification: Uncertain significance for Alzheimer disease. Last evaluated: 2025-10-29. Review status: criteria provided, single submitter. Criteria: Invitae Variant Classification Sherloc (09022015). Collection method: clinical testing. Allele origin: germline.
Comment: This sequence change replaces valine, which is neutral and non-polar, with isoleucine, which is neutral and non-polar, at codon 153 of the APP protein (p.Val153Ile). This variant is present in population databases (rs201454946, gnomAD 0.009%). This missense change has been observed in individual(s) with parkinsonism (PMID: 33601107). Invitae Evidence Modeling of protein sequence and biophysical properties (such as structural, functional, and spatial information, amino acid conservation, physicochemical variation, residue mobility, and thermodynamic stability) indicates that this missense variant is not expected to disrupt APP protein function with a negative predictive value of 95%. In summary, the available evidence is currently insufficient to determine the role of this variant in disease. Therefore, it has been classified as a Variant of Uncertain Significance.

Literature cited by the submitters: PubMed 33601107.